The following is an entry in ClinVar:

ClinVar aggregate classification (germline): Conflicting classifications of pathogenicity. Review status: criteria provided, conflicting classifications (1 of 4 stars). 10 submissions from 10 submitters: Uncertain significance (6); Benign (2); Likely benign (1). 1 of the submissions does not count toward it. Last evaluated 2026-08-01.

Conditions:
Hereditary fructosuria. Also called: Hereditary fructose intolerance; Fructose intolerance; ALDOB DEFICIENCY; ALDOLASE B DEFICIENCY; FRUCTOSE-1,6-BISPHOSPHATE ALDOLASE B DEFICIENCY; FRUCTOSE-1-PHOSPHATE ALDOLASE DEFICIENCY. Identifiers: Orphanet 469, MedGen C0016751, MONDO:0009249, OMIM 229600, HP:0005973. Disease mechanism: loss of function.

Allele frequency attached by ClinVar (database versions not stated): 1000 Genomes Project 30x 0.00422; 1000 Genomes Project 0.00499; gnomAD 0.00640 and 0.00678; TOPMed 0.00751.

Submissions (10):

CeGaT Center for Human Genetics Tuebingen
Classification: Benign. Last evaluated: 2026-08-01. Review status: criteria provided, single submitter. Criteria: CeGaT Center For Human Genetics Tuebingen Variant Classification Criteria Version 2. Collection method: clinical testing. Allele origin: germline. Affected: yes. Observed: 10 variant alleles.
Comment: ALDOB: BS1, BS2

Dasa
Classification: Uncertain significance. Last evaluated: 2025-07-28. Review status: criteria provided, single submitter. Criteria: DASA Assertion Criteria. Collection method: clinical testing. Allele origin: germline.
Comment: NM_000035.4(ALDOB):c.-214G>A is an intronic variant. This variant has been reported in individuals with ALDOB-related disorders (PMID: 20882353). Functional evidence supports an impact on the gene or gene product. This classification is supported by population frequency inconsistent with a disease-causing role. The currently available literature and clinical evidence are not sufficient to establish a definitive association between this variant and the reported condition. Therefore, this variant is classified as a variant of uncertain significance.

Women's Health and Genetics/Laboratory Corporation of America, LabCorp
Classification: Likely benign. Last evaluated: 2025-03-17. Review status: criteria provided, single submitter. Criteria: LabCorp Variant Classification Summary - May 2015. Collection method: clinical testing. Allele origin: germline.
Comment: Variant summary: ALDOB c.-214G>A is located in the untranscribed region upstream of the ALDOB gene region. The variant allele was found at a frequency of 0.006 in 31338 control chromosomes in the gnomAD database, including 2 homozygotes. The observed variant frequency is approximately 1.33 fold of the estimated maximal expected allele frequency for a pathogenic variant in ALDOB causing Hereditary Fructose Intolerance phenotype (0.0045). c.-214G>A has been reported in the literature in individuals affected with Hereditary Fructose Intolerance (Coffee_2010). This report does not provide unequivocal conclusions about association of the variant with Hereditary Fructose Intolerance. At least one publication reports experimental evidence evaluating an impact on protein function, finding that the variant results in reduced nuclear protein binding to the promoter and reduced luciferase reporter expression (Coffee_2010). The following publication has been ascertained in the context of this evaluation (PMID: 20882353). ClinVar contains an entry for this variant (Variation ID: 500745). Based on the evidence outlined above, the variant was classified as likely benign.

Blueprint Genetics
Classification: Uncertain significance. Last evaluated: 2024-11-26. Review status: criteria provided, single submitter. Criteria: ACMG Guidelines, 2015. Collection method: clinical testing. Allele origin: germline.

Labcorp Genetics (formerly Invitae), Labcorp
Classification: Benign for Hereditary fructosuria. Last evaluated: 2023-11-13. Review status: criteria provided, single submitter. Criteria: Invitae Variant Classification Sherloc (09022015). Collection method: clinical testing. Allele origin: germline.

Department of Pathology and Laboratory Medicine, Sinai Health System
Classification: Uncertain significance for Hereditary fructosuria. Last evaluated: 2023-02-07. Review status: criteria provided, single submitter. Criteria: ACMG Guidelines, 2015. Collection method: research. Allele origin: germline.

Mayo Clinic Laboratories, Mayo Clinic
Classification: Uncertain significance. Last evaluated: 2022-07-07. Review status: criteria provided, single submitter. Criteria: ACMG Guidelines, 2015. Collection method: clinical testing. Allele origin: germline. Observed: 6 variant alleles.
Comment: BS1

GeneDx
Classification: Uncertain significance. Last evaluated: 2020-03-04. Review status: criteria provided, single submitter. Criteria: GeneDx Variant Classification Process June 2021. Collection method: clinical testing. Allele origin: germline. Affected: yes.
Comment: Functional studies found that this variant causes loss of transcription from the promoter (Coffee et al., 2010); Nucleotide substitution has no predicted effect on splicing and is not conserved across species; This variant is associated with the following publications: (PMID: 20882353, 25910213)

Eurofins Ntd Llc (ga)
Classification: Uncertain significance. Last evaluated: 2018-05-22. Review status: criteria provided, single submitter. Criteria: EGL ClinVar v180209 classification definitions. Collection method: clinical testing. Allele origin: germline. Observed: 34 variant alleles, 34 heterozygotes.

ATS em Genética Clínica, Universidade Federal do Rio Grande do Sul
Classification: Pathogenic for Hereditary fructosuria. Last evaluated: 2021-03-18. Review status: no assertion criteria provided. Collection method: literature only. Allele origin: unknown. Affected: yes. Not counted in ClinVar's aggregate classification.

Literature cited by the submitters: PubMed 20882353 (cited by 5 submitters); PubMed 25910213 (cited by Eurofins Ntd Llc (ga)).

NM_000035.4(ALDOB):c.-214G>A

Gene: ALDOB (aldolase, fructose-bisphosphate B; minus strand). Cytogenetic location: 9q31.1.
Variant type: single nucleotide variant.
Coding change: c.-214G>A on transcript NM_000035.4 (MANE Select); 214 bases upstream of the start codon, G replaced by A.
Genome position (GRCh38, 1-based): chr9:101,435,912, C>T on the plus strand (G>A on the coding strand, the complement: ALDOB is on the minus strand). VCF-style: chr9-101435912-C-T. GRCh37 (hg19) VCF-style: chr9-104198194-C-T.
Identifiers: ClinVar variation 500745 (VCV000500745.53), dbSNP rs185972191, ClinGen allele CA196959621.